The following is an entry in ClinVar:

NM_025114.4(CEP290):c.1711+1G>A

Gene: CEP290 (centrosomal protein 290; minus strand). Cytogenetic location: 12q21.32.
Variant type: single nucleotide variant.
Coding change: c.1711+1G>A on transcript NM_025114.4 (MANE Select); the canonical splice donor site of the intron after coding-DNA position 1711, G replaced by A.
Molecular consequence: splice donor variant.
Genome position (GRCh38, 1-based): chr12:88,118,482, C>T on the plus strand (G>A on the coding strand, the complement: CEP290 is on the minus strand). VCF-style: chr12-88118482-C-T. GRCh37 (hg19) VCF-style: chr12-88512259-C-T.
Identifiers: ClinVar variation 156377 (VCV000156377.21), dbSNP rs587783009, ClinGen allele CA345951.
Genomic context (GRCh38, chr12:88,118,482, plus strand): 5'-CATATCCAGACAACTCACTTATCAATAATTCTTTTTAAAGGTTTAGAATAACTGAGTATA[C>T]CTGAAGTTGCACTTCTTTTTCCTCTTTCTTGAGCCATTTGACGAATTTTTTTTTTCAGAT-3'

ClinVar aggregate classification (germline): Pathogenic/Likely pathogenic. Review status: criteria provided, multiple submitters, no conflicts (2 of 4 stars). 10 submissions from 10 submitters: Pathogenic (7); Likely pathogenic (2). 1 of the submissions does not count toward it. Last evaluated 2025-09-30.

Conditions:
CEP290-related ciliopathy. Also called: CEP290 ciliopathy. Identifiers: MedGen CN305601, MONDO:0100451.
CEP290-related disorder. Also called: CEP290-related disorders; CEP290-related condition. Identifiers: MedGen CN239314.
Meckel-Gruber syndrome. Also called: Dysencephalia splachnocystica; DYSENCEPHALIA SPLANCHNOCYSTICA; GRUBER SYNDROME. Identifiers: Orphanet 564, MedGen C0265215, MONDO:0018921.
Joubert syndrome. Also called: Familial aplasia of the vermis; JOUBERT-BOLTSHAUSER SYNDROME. Identifiers: Orphanet 475, MedGen C5979921, MONDO:0018772.
Nephronophthisis. Also called: Juvenile Nephronophthisis. Identifiers: Orphanet 655, MedGen C0687120, MONDO:0019005, HP:0000090.
Leber congenital amaurosis 10 (LCA10). Identifiers: Orphanet 65, MedGen C1857821, MONDO:0012723, OMIM 611755.
Bardet-Biedl syndrome 14 (BBS14). Identifiers: Orphanet 110, MedGen C2673874, MONDO:0014442, OMIM 615991.
Meckel syndrome, type 4 (MKS4). Also called: MECKEL-GRUBER SYNDROME, TYPE 4. Identifiers: Orphanet 564, MedGen C1970161, MONDO:0012626, OMIM 611134.
Senior-Loken syndrome 6 (SLSN6). Identifiers: Orphanet 3156, MedGen C1857779, MONDO:0012433, OMIM 610189.
Joubert syndrome 5 (JBTS5). Identifiers: Orphanet 2318, MedGen C1857780, MONDO:0012432, OMIM 610188.
Retinal dystrophy. Also called: Inherited retinal dystrophy. Identifiers: Orphanet 71862, MedGen C0854723, MeSH D058499, MONDO:0019118, HP:0000556.
Leber congenital amaurosis (LCA). Also called: Leber's amaurosis. Identifiers: Orphanet 65, MedGen C0339527, MeSH D057130, MONDO:0018998.
Meckel syndrome, type 3 (MKS3). Also called: MECKEL-GRUBER SYNDROME, TYPE 3. Identifiers: Orphanet 564, MedGen C1846357, MONDO:0011821, OMIM 607361.

Allele frequency attached by ClinVar (database versions not stated): gnomAD exomes 0.00001.
gnomAD v4.1: 5 of 1,552,348 alleles (0.00032%); highest among the groups gnomAD compares: Middle Eastern, 0.017%; no homozygotes.

Submissions (10):

Myriad Genetics, Inc.
Classification: Likely pathogenic for CEP290-related ciliopathy. Last evaluated: 2025-09-30. Review status: criteria provided, single submitter. Criteria: Myriad Autosomal Dominant, Autosomal Recessive and X-Linked Classification Criteria (2023). Collection method: clinical testing. Allele origin: unknown.
Comment: NM_025114.3(CEP290):c.1711+1G>A is a variant in a canonical splice site classified as likely pathogenic in the context of CEP290-related disorders. c.1711+1G>A has been observed in a case with relevant disease (PMID: 25445212). Relevant functional assessments of this variant are not available in the literature. c.1711+1G>A has been observed in referenced population frequency databases. In summary, NM_025114.3(CEP290):c.1711+1G>A is a variant in a canonical splice site in a gene where loss of function is a known mechanism of disease, is predicted to disrupt protein function, and has been observed more frequently in cases with the relevant disease than in healthy populations. Please note: this variant was assessed in the context of healthy population screening.

Natera, Inc.
Classification: Pathogenic for Leber congenital amaurosis. Last evaluated: 2025-07-21. Review status: criteria provided, single submitter. Criteria: Natera Variant Classification Schema (03/2026). Collection method: clinical testing. Allele origin: germline.
Comment: The c.1711+1G>A variant in CEP290 is a canonical splice donor site variant predicted to affect pre-mRNA splicing, which may result in an abnormal transcript and altered protein product. This variant is expected to result in nonsense mediated decay, truncation, or a dysfunctional protein product. This variant is rare in the general population with a frequency below the threshold expected for the associated phenotype(s). This variant has been observed in one or more individuals affected with the associated recessive disease, as either homozygous or compound heterozygous with a second variant (PMID: 25445212). Given the available evidence, this variant is classified as Pathogenic.

Labcorp Genetics (formerly Invitae), Labcorp
Classification: Pathogenic for Joubert syndrome; Meckel-Gruber syndrome; Nephronophthisis. Last evaluated: 2025-01-06. Review status: criteria provided, single submitter. Criteria: Invitae Variant Classification Sherloc (09022015). Collection method: clinical testing. Allele origin: germline.
Comment: This sequence change affects a donor splice site in intron 17 of the CEP290 gene. It is expected to disrupt RNA splicing. Variants that disrupt the donor or acceptor splice site typically lead to a loss of protein function (PMID: 16199547), and loss-of-function variants in CEP290 are known to be pathogenic (PMID: 16909394, 17345604, 20690115). This variant is present in population databases (rs587783009, gnomAD 0.009%). Disruption of this splice site has been observed in individuals with Leber congenital amaurosis and Joubert syndrome (PMID: 25445212, 32139166). ClinVar contains an entry for this variant (Variation ID: 156377). Algorithms developed to predict the effect of sequence changes on RNA splicing suggest that this variant may disrupt the consensus splice site. For these reasons, this variant has been classified as Pathogenic.

3billion
Classification: Pathogenic for Meckel syndrome, type 4. Last evaluated: 2024-07-16. Review status: criteria provided, single submitter. Criteria: ACMG Guidelines, 2015. Collection method: clinical testing. Allele origin: germline. Affected: yes.
Comment: The variant is observed at an extremely low frequency in the gnomAD v4.0.0 dataset (total allele frequency: <0.001%). Predicted Consequence/Location: Canonical splice site: predicted to alter splicing and result in a loss or disruption of normal protein function. Multiple pathogenic loss-of-function variants are reported downstream of the variant. In silico tools predict the variant to alter splicing and produce an abnormal transcript [SpliceAI: 1.00 (spliceogenicity >=0.2, non-spliceogenicity <0.1)]. The variant has been reported at least twice as pathogenic without evidence for the classification (ClinVar ID: VCV000156377 /PMID: 25445212 /3billion dataset). Therefore, this variant is classified as Pathogenic according to the recommendation of ACMG/AMP guideline.

Baylor Genetics
Classification: Pathogenic for Bardet-Biedl syndrome 14. Last evaluated: 2024-03-17. Review status: criteria provided, single submitter. Criteria: ACMG Guidelines, 2015. Collection method: clinical testing. Allele origin: unknown.

Dept Of Ophthalmology, Nagoya University
Classification: Pathogenic for Retinal dystrophy. Last evaluated: 2023-10-01. Review status: criteria provided, single submitter. Criteria: Submitter's publication. Collection method: research. Allele origin: germline. Affected: yes.

Women's Health and Genetics/Laboratory Corporation of America, LabCorp
Classification: Pathogenic for CEP290-related disorder. Last evaluated: 2023-09-26. Review status: criteria provided, single submitter. Criteria: LabCorp Variant Classification Summary - May 2015. Collection method: clinical testing. Allele origin: germline.
Comment: Variant summary: CEP290 c.1711+1G>A is located in a canonical splice-site and is predicted to affect mRNA splicing resulting in a significantly altered protein due to either exon skipping, shortening, or inclusion of intronic material. Several computational tools predict a significant impact on normal splicing: Three predict the variant abolishes a 5' splicing donor site. At least one publication confirmed that this variant affects mRNA splicing by analyzing patient derived fibroblast cDNA (Itoh_2018). The variant allele was found at a frequency of 1.2e-05 in 164036 control chromosomes (gnomAD). c.1711+1G>A has been reported in the literature in homozygous and compound heterozygous individuals affected with CEP290-related disorders, including Leber congenital amaurosis and Joubert syndrome (e.g. Itoh_2018, Seong_2015, Devi_2020, Kim_2021). Morphological analysis of cultured fibroblasts from a compound heterozygous patient revealed a marked decrease of the CEP290-positive cell number with significantly longer cilium (Itoh_2018). These data indicate that the variant is likely to be associated with disease. The following publications have been ascertained in the context of this evaluation (PMID: 29217415, 25445212, 32139166, 33946315). Two submitters have cited clinical-significance assessments for this variant to ClinVar after 2014. All submitters classified the variant as pathogenic/likely pathogenic. Based on the evidence outlined above, the variant was classified as pathogenic.

Department of Maternal-Fetal Biology, National Research Institute for Child Health and Development
Classification: Pathogenic for Meckel syndrome, type 3. Last evaluated: 2022-01-01. Review status: criteria provided, single submitter. Criteria: ACMG Guidelines, 2015. Collection method: research. Allele origin: maternal. Affected: yes. Observed: 1 variant allele.

Fulgent Genetics
Classification: Likely pathogenic for Joubert syndrome 5; Senior-Loken syndrome 6; Meckel syndrome, type 4; Leber congenital amaurosis 10; Bardet-Biedl syndrome 14. Last evaluated: 2021-08-25. Review status: criteria provided, single submitter. Criteria: ACMG Guidelines, 2015. Collection method: clinical testing. Allele origin: unknown.

Molecular Diagnostics Laboratory, Seoul National University Hospital
Classification: Pathogenic for Leber congenital amaurosis 10. Last evaluated: 2014-09-18. Review status: no assertion criteria provided. Collection method: clinical testing. Allele origin: unknown. Affected: yes. Not counted in ClinVar's aggregate classification.

Literature cited by the submitters: PubMed 25445212 (cited by 5 submitters); PubMed 16199547 (cited by Labcorp Genetics (formerly Invitae), Labcorp); PubMed 16909394 (cited by Labcorp Genetics (formerly Invitae), Labcorp); PubMed 17345604 (cited by Labcorp Genetics (formerly Invitae), Labcorp); PubMed 20690115 (cited by Labcorp Genetics (formerly Invitae), Labcorp); PubMed 32139166 (cited by Labcorp Genetics (formerly Invitae), Labcorp and Women's Health and Genetics/Laboratory Corporation of America, LabCorp); PubMed 33946315 (cited by Women's Health and Genetics/Laboratory Corporation of America, LabCorp); PubMed 29217415 (cited by Women's Health and Genetics/Laboratory Corporation of America, LabCorp).